The following is an entry in ClinVar:

ClinVar aggregate classification (germline): Benign/Likely benign. Review status: criteria provided, multiple submitters, no conflicts (2 of 4 stars). 3 submissions from 3 submitters: Benign (1); Likely benign (2). Last evaluated 2026-08-01.

Conditions:
Primary ciliary dyskinesia. Also called: Ciliary dyskinesia. Identifiers: Orphanet 244, MedGen C0008780, MONDO:0016575, HP:0012265.

Allele frequency attached by ClinVar (database versions not stated): 1000 Genomes Project 30x 0.00062; 1000 Genomes Project 0.00080; TOPMed 0.00174; gnomAD 0.00229 and 0.00235; ESP Exome Variant Server 0.00254; gnomAD exomes 0.00274 and 0.00329; ExAC 0.00420.
gnomAD v4.1: 4,287 of 1,604,264 alleles (0.27%); highest among the groups gnomAD compares: Non-Finnish European, 0.28%; 13 homozygotes.

Submissions (3):

CeGaT Center for Human Genetics Tuebingen
Classification: Likely benign. Last evaluated: 2026-08-01. Review status: criteria provided, single submitter. Criteria: CeGaT Center For Human Genetics Tuebingen Variant Classification Criteria Version 2. Collection method: clinical testing. Allele origin: germline. Affected: yes. Observed: 2 variant alleles.
Comment: DNAH8: BP4, BP7

Labcorp Genetics (formerly Invitae), Labcorp
Classification: Benign for Primary ciliary dyskinesia. Last evaluated: 2026-01-20. Review status: criteria provided, single submitter. Criteria: Invitae Variant Classification Sherloc (09022015). Collection method: clinical testing. Allele origin: germline.

Blueprint Genetics
Classification: Likely benign. Last evaluated: 2024-11-13. Review status: criteria provided, single submitter. Criteria: ACMG Guidelines, 2015. Collection method: clinical testing. Allele origin: germline.

NM_001206927.2(DNAH8):c.9987C>T (p.Ser3329=)

Genes: DNAH8 (dynein axonemal heavy chain 8; plus strand), DNAH8-AS1 (DNAH8 antisense RNA 1; minus strand). Cytogenetic location: 6p21.2.
Variant type: single nucleotide variant.
Coding change: c.9987C>T on transcript NM_001206927.2 (MANE Select); coding-DNA position 9987, C replaced by T.
Protein change: p.Ser3329=; no amino-acid change (serine 3329 retained).
Molecular consequence: synonymous variant.
Genome position (GRCh38, 1-based): chr6:38,915,224, C>T. VCF-style: chr6-38915224-C-T. GRCh37 (hg19) VCF-style: chr6-38883000-C-T.
Other names: c.9336C>T, p.Ser3112= (NM_001371.4).
Identifiers: ClinVar variation 414400 (VCV000414400.34), dbSNP rs150857304, ClinGen allele CA3790631.
Genomic context (GRCh38, chr6:38,915,224, plus strand): 5'-TTTCTATTGGCTTTCATGTGTTTCCTCAACTTAACAGGTATTAGCAGAAGTCACAGTAAG[C>T]GCTCAGGCTTCAGCCAAAATTAAAAATGAAGTACAGGAGGTAAAGGACAAAGCCCAAAAA-3'
Protein context (NP_001193856.1, residues 3319-3339): ADEVLAEVTV[Ser3329=]AQASAKIKNE